The following is an entry in ClinVar:

NM_002160.4(TNC):c.5317G>A (p.Val1773Met)

Gene: TNC (tenascin C; minus strand). Cytogenetic location: 9q33.1.
Variant type: single nucleotide variant.
Coding change: c.5317G>A on transcript NM_002160.4 (MANE Select); coding-DNA position 5317, G replaced by A.
Protein change: p.Val1773Met; replaces valine 1773 with methionine.
Molecular consequence: missense variant.
Genome position (GRCh38, 1-based): chr9:115,041,016, C>T on the plus strand (G>A on the coding strand, the complement: TNC is on the minus strand). VCF-style: chr9-115041016-C-T. GRCh37 (hg19) VCF-style: chr9-117803295-C-T.
Other names: short protein forms V1773M.
Identifiers: ClinVar variation 97008 (VCV000097008.5), dbSNP rs137933052, ClinGen allele CA149711.
Genomic context (GRCh38, chr9:115,041,016, plus strand): 5'-CTGAGACAGGTTCACTTTCCTCAAAGCCCTTCATGGCGATGATGCTGACAAGGTACTCCA[C>T]GCCAGGTATGAGTTTCACCAGCCTGGTCTGAGTCTTGGTTCCGTCCACAGTTACCATGGA-3'
Protein context (NP_002151.2, residues 1763-1783): QTRLVKLIPG[Val1773Met]EYLVSIIAMK

ClinVar aggregate classification (germline): Conflicting classifications of pathogenicity. Review status: criteria provided, conflicting classifications (1 of 4 stars). 4 submissions from 4 submitters: Pathogenic (1); Uncertain significance (2). 1 of the submissions does not count toward it. Last evaluated 2025-09-19.

Conditions:
TNC-related disorder. Also called: TNC-related condition.
Autosomal dominant nonsyndromic hearing loss 56. Also called: Deafness, autosomal dominant 56. Identifiers: Orphanet 90635, MedGen C3810170, MONDO:0014283, OMIM 615629.

Allele frequency attached by ClinVar (database versions not stated): gnomAD exomes 0.00006 and 0.00016; ExAC 0.00008; ESP Exome Variant Server 0.00008; 1000 Genomes Project 30x 0.00016; 1000 Genomes Project 0.00020; TOPMed 0.00021; gnomAD 0.00024 and 0.00025.
gnomAD v4.1: 121 of 1,614,140 alleles (0.0075%); highest among the groups gnomAD compares: Admixed American, 0.098%; no homozygotes.

Submissions (4):

PreventionGenetics, part of Exact Sciences
Classification: Uncertain significance for TNC-related condition. Last evaluated: 2025-09-19. Review status: criteria provided, single submitter. Criteria: ACMG Guidelines, 2015. Collection method: clinical testing. Allele origin: germline.
Comment: The TNC c.5317G>A variant is predicted to result in the amino acid substitution p.Val1773Met. This variant was reported to segregate with progressive autosomal dominant hearing loss in 11 affected individuals from a large family (Figure 1, Zhao et al. 2013. PubMed ID: 23936043) and was also reported in an unaffected individual (Table S6, Quaio et al. 2022. PubMed ID: 36147510). This variant is reported in 0.073% of alleles in individuals of Latino descent in gnomAD, including 120 heterozygotes in the larger gnomAD v4.1.0 database. At this time, the clinical significance of this variant is uncertain due to the absence of conclusive functional and genetic evidence.

Laboratory of Prof. Karen Avraham, Tel Aviv University
Classification: Pathogenic for Autosomal dominant nonsyndromic hearing loss 56. Last evaluated: 2024-06-10. Review status: criteria provided, single submitter. Criteria: ACMG Guidelines, 2015. Collection method: research. Allele origin: germline. Affected: yes. Observed: 1 variant allele.
Comment: Pathogenic by Deafness Variation Datatbase based on PMID: 23936043

DFNA56; high-tone HL

Mendelics
Classification: Uncertain significance. Last evaluated: 2022-05-04. Review status: criteria provided, single submitter. Criteria: Mendelics Assertion Criteria 2019. Collection method: clinical testing. Allele origin: germline.

OMIM
Classification: Pathogenic for DEAFNESS, AUTOSOMAL DOMINANT 56. Last evaluated: 2013-07-30. Review status: no assertion criteria provided. Collection method: literature only. Allele origin: germline. Not counted in ClinVar's aggregate classification.

Literature cited by the submitters: PubMed 23936043 (cited by OMIM).